The following is an entry in ClinVar:

ClinVar aggregate classification (germline): Uncertain significance (1 of 4 stars; one submission).

Conditions:
Familial hypocalciuric hypercalcemia (FHH). Also called: Familial benign hypercalcemia. Identifiers: Orphanet 405, MedGen C1809471, MONDO:0018458.
Autosomal dominant hypocalcemia 1 (HYPOC1). Also called: HYPOCALCEMIA, FAMILIAL. Identifiers: MedGen C3715128, MONDO:0011013, OMIM 601198.

Submission:

Labcorp Genetics (formerly Invitae), Labcorp
Classification: Uncertain significance for Familial hypocalciuric hypercalcemia; Autosomal dominant hypocalcemia 1. Last evaluated: 2024-06-21. Review status: criteria provided, single submitter. Criteria: Invitae Variant Classification Sherloc (09022015). Collection method: clinical testing. Allele origin: germline.
Comment: This sequence change replaces aspartic acid, which is acidic and polar, with asparagine, which is neutral and polar, at codon 190 of the CASR protein (p.Asp190Asn). This variant is not present in population databases (gnomAD no frequency). This missense change has been observed in individual(s) with hypercalcemia (PMID: 32347971). ClinVar contains an entry for this variant (Variation ID: 2153280). An algorithm developed to predict the effect of missense changes on protein structure and function (PolyPhen-2) suggests that this variant is likely to be disruptive. In summary, the available evidence is currently insufficient to determine the role of this variant in disease. Therefore, it has been classified as a Variant of Uncertain Significance.

Literature cited by the submitters: PubMed 32347971.

NM_000388.4(CASR):c.568G>A (p.Asp190Asn)

Gene: CASR (calcium sensing receptor; plus strand). Cytogenetic location: 3q21.1.
Variant type: single nucleotide variant.
Coding change: c.568G>A on transcript NM_000388.4 (MANE Select); coding-DNA position 568, G replaced by A.
Protein change: p.Asp190Asn; replaces aspartic acid 190 with asparagine.
Molecular consequence: missense variant.
Genome position (GRCh38, 1-based): chr3:122,261,603, G>A. VCF-style: chr3-122261603-G-A. GRCh37 (hg19) VCF-style: chr3-121980450-G-A.
Other names: c.568G>A, p.Asp190Asn (NM_001178065.2); short protein forms D190N.
Identifiers: ClinVar variation 2153280 (VCV002153280.4), dbSNP rs2473225366, ClinGen allele CA354150862.